The following is an entry in ClinVar:

ClinVar aggregate classification (germline): Likely benign. Review status: criteria provided, multiple submitters, no conflicts (2 of 4 stars). 2 submissions from 2 submitters: Likely benign (2). Last evaluated 2025-11-27.

Conditions:
Lethal multiple pterygium syndrome (LMPS). Identifiers: Orphanet 33108, MedGen C1854678, MONDO:0009668, OMIM 253290.

Allele frequency attached by ClinVar (database versions not stated): gnomAD exomes 0.00001; ExAC 0.00002; TOPMed 0.00009; gnomAD 0.00014; 1000 Genomes Project 30x 0.00031.
gnomAD v4.1: 43 of 1,614,152 alleles (0.0027%); highest among the groups gnomAD compares: African/African-American, 0.053%; no homozygotes.

Submissions (2):

Mayo Clinic Laboratories, Mayo Clinic
Classification: Likely benign. Last evaluated: 2025-11-27. Review status: criteria provided, single submitter. Criteria: ACMG Guidelines, 2015. Collection method: clinical testing. Allele origin: germline. Observed: 1 variant allele.
Comment: BP4, BP7

Labcorp Genetics (formerly Invitae), Labcorp
Classification: Likely benign for Lethal multiple pterygium syndrome. Last evaluated: 2025-08-08. Review status: criteria provided, single submitter. Criteria: Invitae Variant Classification Sherloc (09022015). Collection method: clinical testing. Allele origin: germline.

NM_000751.3(CHRND):c.711C>T (p.Thr237=)

Gene: CHRND (cholinergic receptor nicotinic delta subunit; plus strand). Cytogenetic location: 2q37.1.
Variant type: single nucleotide variant.
Coding change: c.711C>T on transcript NM_000751.3 (MANE Select); coding-DNA position 711, C replaced by T.
Protein change: p.Thr237=; no amino-acid change (threonine 237 retained).
Molecular consequence: synonymous variant. On other transcripts: intron variant (1).
Genome position (GRCh38, 1-based): chr2:232,530,030, C>T. VCF-style: chr2-232530030-C-T. GRCh37 (hg19) VCF-style: chr2-233394740-C-T.
Other names: p.Thr237=; c.666C>T, p.Thr222= (NM_001256657.2); c.408C>T, p.Thr136= (NM_001311196.2); c.239-1322C>T (NM_001311195.2).
Identifiers: ClinVar variation 737908 (VCV000737908.9), dbSNP rs752356816, ClinGen allele CA2168124.